The following is an entry in ClinVar:

NM_000238.4(KCNH2):c.545C>T (p.Ser182Leu)

Gene: KCNH2 (potassium voltage-gated channel subfamily H member 2; minus strand). Cytogenetic location: 7q36.1.
Variant type: single nucleotide variant.
Coding change: c.545C>T on transcript NM_000238.4 (MANE Select); coding-DNA position 545, C replaced by T.
Protein change: p.Ser182Leu; replaces serine 182 with leucine.
Molecular consequence: missense variant. On other transcripts: non-coding transcript variant (1).
Genome position (GRCh38, 1-based): chr7:150,958,430, G>A on the plus strand (C>T on the coding strand, the complement: KCNH2 is on the minus strand). VCF-style: chr7-150958430-G-A. GRCh37 (hg19) VCF-style: chr7-150655518-G-A.
Other names: c.245C>T, p.Ser82Leu (NM_001406757.1); c.545C>T, p.Ser182Leu (NM_172056.3); c.257C>T, p.Ser86Leu (NM_001406753.1, NM_001406756.1); c.368C>T, p.Ser123Leu (NM_001406755.1); short protein forms S182L, S82L, S123L, S86L.
Identifiers: ClinVar variation 2724423 (VCV002724423.3), dbSNP rs1057517742, ClinGen allele CA369863361.
Genomic context (GRCh38, chr7:150,958,430, plus strand): 5'-GGCGTCAGGTCCACGTCCACCACCACGGCCCCCGGGGCGCCCGCGCCGCCCGCGCCGCCC[G>A]ACCGCACCGACGACTCCCGGGCCGTCAGCGCCAGCAGCGCGGGCAGCTTCAGGCGGAAGG-3'
Protein context (NP_000229.1, residues 172-192): ALTARESSVR[Ser182Leu]GGAGGAGAPG

ClinVar aggregate classification (germline): Uncertain significance (1 of 4 stars; one submission).

Conditions:
Long QT syndrome (LQTS). Identifiers: MedGen C0023976, MeSH D008133, MONDO:0002442. Disease mechanism: loss of function. Inheritance: Various modes of inheritance.

Allele frequency attached by ClinVar (database versions not stated): TOPMed 0.00001.
gnomAD v4.1: 9 of 1,457,126 alleles (0.00062%); highest among the groups gnomAD compares: Non-Finnish European, 0.00081%; no homozygotes.

Submission:

Labcorp Genetics (formerly Invitae), Labcorp
Classification: Uncertain significance for Long QT syndrome. Last evaluated: 2022-12-21. Review status: criteria provided, single submitter. Criteria: Invitae Variant Classification Sherloc (09022015). Collection method: clinical testing. Allele origin: germline.
Comment: In summary, the available evidence is currently insufficient to determine the role of this variant in disease. Therefore, it has been classified as a Variant of Uncertain Significance. Algorithms developed to predict the effect of missense changes on protein structure and function (SIFT, PolyPhen-2, Align-GVGD) all suggest that this variant is likely to be tolerated. This variant has not been reported in the literature in individuals affected with KCNH2-related conditions. This variant is not present in population databases (gnomAD no frequency). This sequence change replaces serine, which is neutral and polar, with leucine, which is neutral and non-polar, at codon 182 of the KCNH2 protein (p.Ser182Leu).